The following is an entry in ClinVar:

ClinVar aggregate classification (germline): Uncertain significance (1 of 4 stars; one submission).

Conditions:
Inborn genetic diseases. Identifiers: MedGen C0950123, MeSH D030342.

Allele frequency attached by ClinVar (database versions not stated): gnomAD exomes below 0.00001.
gnomAD v4.1: 6 of 1,612,414 alleles (0.00037%); highest among the groups gnomAD compares: Non-Finnish European, 0.00051%; no homozygotes.

Submission:

Ambry Genetics
Classification: Uncertain significance for Inborn genetic diseases. Last evaluated: 2022-06-29. Review status: criteria provided, single submitter. Criteria: Ambry Variant Classification Scheme 2023. Collection method: clinical testing. Allele origin: germline.
Comment: The c.1081G>C variant (also known as p.G361R), located in coding exon 11 of the SPTLC1 gene, results from a G to C substitution at nucleotide position 1081. The glycine at codon 361 is replaced by arginine, an amino acid with dissimilar properties. However, this change occurs in the last base pair of coding exon 11, which makes it likely to have some effect on normal mRNA splicing. This nucleotide position is highly conserved in available vertebrate species. This amino acid position is not well conserved in available vertebrate species. In silico splice site analysis predicts that this alteration will weaken the native splice donor site and may result in the creation or strengthening of a novel splice donor site. In addition, as a missense substitution this is predicted to be tolerated by in silico analysis. Since supporting evidence is limited at this time, the clinical significance of this alteration remains unclear.

NM_006415.4(SPTLC1):c.1081G>C (p.Gly361Arg)

Gene: SPTLC1 (serine palmitoyltransferase long chain base subunit 1; minus strand). Cytogenetic location: 9q22.31.
Variant type: single nucleotide variant.
Coding change: c.1081G>C on transcript NM_006415.4 (MANE Select); coding-DNA position 1081, G replaced by C.
Protein change: p.Gly361Arg; replaces glycine 361 with arginine.
Molecular consequence: missense variant.
Genome position (GRCh38, 1-based): chr9:92,047,172, C>G on the plus strand (G>C on the coding strand, the complement: SPTLC1 is on the minus strand). VCF-style: chr9-92047172-C-G. GRCh37 (hg19) VCF-style: chr9-94809454-C-G.
Other names: c.1081G>C, p.Gly361Arg (NM_001281303.2); c.715G>C, p.Gly239Arg (NM_001368272.1); c.616G>C, p.Gly206Arg (NM_001368273.1); short protein forms G206R, G361R, G239R.
Identifiers: ClinVar variation 1786618 (VCV001786618.2), dbSNP rs2538398312, ClinGen allele CA373792334.